The following is an entry in ClinVar:

ClinVar aggregate classification (germline): Benign. Review status: criteria provided, multiple submitters, no conflicts (2 of 4 stars). 4 submissions from 4 submitters: Benign (4). Last evaluated 2026-02-03.

Conditions:
Retinitis pigmentosa (RP). Identifiers: Orphanet 791, MedGen C0035334, MeSH D012174, MONDO:0019200, OMIM 268000. Inheritance: Autosomal dominant, autosomal recessive and X linked inheritance.
Retinal dystrophy. Also called: Inherited retinal dystrophy. Identifiers: Orphanet 71862, MedGen C0854723, MeSH D058499, MONDO:0019118, HP:0000556.

Allele frequency attached by ClinVar (database versions not stated): gnomAD exomes 0.20660 and 0.20667; ExAC 0.21700; 1000 Genomes Project 0.27236; 1000 Genomes Project 30x 0.28045; gnomAD 0.30061 and 0.31074; TOPMed 0.30813; ESP Exome Variant Server 0.32862.
gnomAD v4.1: 348,482 of 1,613,404 alleles (22%); highest among the groups gnomAD compares: African/African-American, 58%; 44,285 homozygotes.

Submissions (4):

Labcorp Genetics (formerly Invitae), Labcorp
Classification: Benign. Last evaluated: 2026-02-03. Review status: criteria provided, single submitter. Criteria: Invitae Variant Classification Sherloc (09022015). Collection method: clinical testing. Allele origin: germline.

Dept Of Ophthalmology, Nagoya University
Classification: Benign for Retinal dystrophy. Last evaluated: 2023-10-01. Review status: criteria provided, single submitter. Criteria: Submitter's publication. Collection method: research. Allele origin: germline. Affected: yes.

Illumina Laboratory Services, Illumina
Classification: Benign for Retinitis pigmentosa. Last evaluated: 2018-01-13. Review status: criteria provided, single submitter. Criteria: ICSL Variant Classification Criteria 13 December 2019. Collection method: clinical testing. Allele origin: germline.
Comment: This variant was observed in the ICSL laboratory as part of a predisposition screen in an ostensibly healthy population. It had not been previously curated by ICSL or reported in the Human Gene Mutation Database (HGMD: prior to June 1st, 2018), and was therefore a candidate for classification through an automated scoring system. Utilizing variant allele frequency, disease prevalence and penetrance estimates, and inheritance mode, an automated score was calculated to assess if this variant is too frequent to cause the disease. Based on the score and internal cut-off values, a variant classified as benign is not then subjected to further curation. The score for this variant resulted in a classification of benign for this disease.

Breakthrough Genomics
Classification: Benign. Review status: criteria provided, single submitter. Criteria: ACMG Guidelines, 2015. Collection method: not provided. Allele origin: germline. Inheritance: Autosomal dominant inheritance. Affected: yes.

NM_006445.4(PRPF8):c.1914C>G (p.Leu638=)

Gene: PRPF8 (pre-mRNA processing factor 8; minus strand). Cytogenetic location: 17p13.3.
Variant type: single nucleotide variant.
Coding change: c.1914C>G on transcript NM_006445.4 (MANE Select); coding-DNA position 1914, C replaced by G.
Protein change: p.Leu638=; no amino-acid change (leucine 638 retained).
Molecular consequence: synonymous variant.
Genome position (GRCh38, 1-based): chr17:1,677,635, G>C on the plus strand (C>G on the coding strand, the complement: PRPF8 is on the minus strand). VCF-style: chr17-1677635-G-C. GRCh37 (hg19) VCF-style: chr17-1580929-G-C.
Identifiers: ClinVar variation 321906 (VCV000321906.14), dbSNP rs11078565, ClinGen allele CA8272220.